The following is an entry in ClinVar:

ClinVar aggregate classification (germline): Uncertain significance (1 of 4 stars; one submission).

Conditions:
Monogenic diabetes. Identifiers: Orphanet 183625, MedGen C3888631, MONDO:0015967.

Allele frequency attached by ClinVar (database versions not stated): TOPMed below 0.00001; gnomAD 0.00001.
gnomAD v4.1: 25 of 1,612,370 alleles (0.0016%); highest among the groups gnomAD compares: Non-Finnish European, 0.0019%; no homozygotes.

Submission:

Personalized Diabetes Medicine Program, University of Maryland School of Medicine
Classification: Uncertain significance for Monogenic diabetes. Last evaluated: 2018-01-02. Review status: criteria provided, single submitter. Criteria: ACMG Guidelines, 2015. Collection method: research. Allele origin: unknown. Observed: 1 variant allele, 1 heterozygote.
Comment: ACMG criteria: PP3 (4 predictors), BP4 (6 predictors), PM2 (absent db)=VUS

NM_002303.6(LEPR):c.1292A>G (p.Asn431Ser)

Gene: LEPR (leptin receptor; plus strand). Cytogenetic location: 1p31.3.
Variant type: single nucleotide variant.
Coding change: c.1292A>G on transcript NM_002303.6 (MANE Select); coding-DNA position 1292, A replaced by G.
Protein change: p.Asn431Ser; replaces asparagine 431 with serine.
Molecular consequence: missense variant.
Genome position (GRCh38, 1-based): chr1:65,601,849, A>G. VCF-style: chr1-65601849-A-G. GRCh37 (hg19) VCF-style: chr1-66067532-A-G.
Other names: c.1292A>G, p.Asn431Ser (NM_001198687.2, NM_001003679.3, NM_001003680.3 and 2 more transcripts); short protein forms N431S.
Identifiers: ClinVar variation 917429 (VCV000917429.2), dbSNP rs937591370, ClinGen allele CA23912045.
Genomic context (GRCh38, chr1:65,601,849, plus strand): 5'-TTGAATTTTTTGGAGTTTTTGCTTTATATTAATATTTTAATATGTTTCAAATAGATGTCA[A>G]TATCAATATCTCATGTGAAACTGATGGGTACTTAACTAAAATGACTTGCAGATGGTCAAC-3'
Protein context (NP_002294.2, residues 421-441): RYAELYVIDV[Asn431Ser]INISCETDGY